The following is an entry in ClinVar:

ClinVar aggregate classification (germline): Conflicting classifications of pathogenicity. Review status: criteria provided, conflicting classifications (1 of 4 stars). 6 submissions from 6 submitters: Uncertain significance (3); Likely benign (2). 1 of the submissions does not count toward it. Last evaluated 2025-10-03.

Conditions:
FAM83H-related disorder. Also called: FAM83H-related condition.
Amelogenesis imperfecta, type 3A (AI3A). Also called: AMELOGENESIS IMPERFECTA, TYPE IIIA, LOCALIZED; AMELOGENESIS IMPERFECTA, TYPE IIIA; AMELOGENESIS IMPERFECTA, HYPOCALCIFICATION TYPE, AUTOSOMAL DOMINANT. Identifiers: MedGen C5886770, MONDO:0007538, OMIM 130900.

Allele frequency attached by ClinVar (database versions not stated): 1000 Genomes Project 30x 0.00031; 1000 Genomes Project 0.00040; ESP Exome Variant Server 0.00152; gnomAD exomes 0.00168 and 0.00249; TOPMed 0.00168; ExAC 0.00178; gnomAD 0.00181 and 0.00189.
gnomAD v4.1: 3,876 of 1,613,740 alleles (0.24%); highest among the groups gnomAD compares: Non-Finnish European, 0.3%; 7 homozygotes.

Submissions (6):

Rare Kidney Stone Consortium and the Mayo Clinic Hyperoxaluria Center, Mayo Clinic
Classification: Uncertain significance for Amelogenesis imperfecta, type 3A. Last evaluated: 2025-10-03. Review status: criteria provided, single submitter. Criteria: ACMG Guidelines, 2015. Collection method: research. Allele origin: germline. Observed: 1 variant allele.
Comment: ACMG:PVS1, PM2, PP3, BP6, BS1

Blueprint Genetics
Classification: Likely benign. Last evaluated: 2024-11-19. Review status: criteria provided, single submitter. Criteria: ACMG Guidelines, 2015. Collection method: clinical testing. Allele origin: germline.

Department of Pathology and Laboratory Medicine, Sinai Health System
Classification: Uncertain significance for Amelogenesis imperfecta, type 3A. Last evaluated: 2021-07-30. Review status: criteria provided, single submitter. Criteria: ACMG Guidelines, 2015. Collection method: research. Allele origin: germline.

Labcorp Genetics (formerly Invitae), Labcorp
Classification: Likely benign. Last evaluated: 2019-12-31. Review status: criteria provided, single submitter. Criteria: Invitae Variant Classification Sherloc (09022015). Collection method: clinical testing. Allele origin: germline.

Laboratory for Molecular Medicine, Mass General Brigham Personalized Medicine
Classification: Uncertain significance. Last evaluated: 2016-03-29. Review status: criteria provided, single submitter. Criteria: LMM Criteria. Collection method: clinical testing. Allele origin: germline.
Comment: Variant identified in a genome or exome case(s) and assessed due to predicted null impact of the variant or pathogenic assertions in the literature or databases. Disclaimer: This variant has not undergone full assessment. The following are preliminary notes: LOF disease mechanism for Amelogenesis imperfecta, hypocalcified. This variant has been associated with a different phenotype, intraocular pressure.

PreventionGenetics, part of Exact Sciences
Classification: Likely benign for FAM83H-related condition. Last evaluated: 2020-02-17. Review status: no assertion criteria provided. Collection method: clinical testing. Allele origin: germline. Not counted in ClinVar's aggregate classification.
Comment: This variant is classified as likely benign based on ACMG/AMP sequence variant interpretation guidelines (Richards et al. 2015 PMID: 25741868, with internal and published modifications).

Literature cited by the submitters: PubMed 31345219 (cited by Rare Kidney Stone Consortium and the Mayo Clinic Hyperoxaluria Center, Mayo Clinic); PubMed 40794449 (cited by Rare Kidney Stone Consortium and the Mayo Clinic Hyperoxaluria Center, Mayo Clinic).

NM_198488.5(SACK1H):c.601C>T (p.Gln201Ter)

Gene: SACK1H (scaffolding CK1 anchoring protein H; minus strand). Cytogenetic location: 8q24.3.
Variant type: single nucleotide variant.
Coding change: c.601C>T on transcript NM_198488.5 (MANE Select); coding-DNA position 601, C replaced by T.
Protein change: p.Gln201Ter; replaces glutamine 201 with a stop codon.
Molecular consequence: nonsense.
Genome position (GRCh38, 1-based): chr8:143,729,170, G>A on the plus strand (C>T on the coding strand, the complement: SACK1H is on the minus strand). VCF-style: chr8-143729170-G-A. GRCh37 (hg19) VCF-style: chr8-144811340-G-A.
Other names: short protein forms Q201*.
Identifiers: ClinVar variation 402847 (VCV000402847.13), dbSNP rs189033490, ClinGen allele CA4917671.